The following is an entry in ClinVar:

ClinVar aggregate classification (germline): Likely benign. Review status: criteria provided, multiple submitters, no conflicts (2 of 4 stars). 2 submissions from 2 submitters: Likely benign (2). Last evaluated 2025-12-29.

Conditions:
DYNC1H1-related disorder. Also called: DYNC1H1-related condition; DYNC1H1-related disorders. Identifiers: MedGen CN381529.
Charcot-Marie-Tooth disease axonal type 2O. Also called: Charcot-Marie-Tooth disease, axonal, type 20; CHARCOT-MARIE-TOOTH NEUROPATHY, AXONAL, TYPE 2O; CHARCOT-MARIE-TOOTH DISEASE, AXONAL, AUTOSOMAL DOMINANT, TYPE 2O; Charcot-Marie-Tooth Neuropathy Type 2O. Identifiers: Orphanet 284232, MedGen C3280220, MONDO:0013644, OMIM 614228.

Allele frequency attached by ClinVar (database versions not stated): ExAC 0.00002; gnomAD exomes 0.00002 and 0.00009; TOPMed 0.00003; gnomAD 0.00004; ESP Exome Variant Server 0.00008.

Submissions (2):

Labcorp Genetics (formerly Invitae), Labcorp
Classification: Likely benign for Charcot-Marie-Tooth disease axonal type 2O. Last evaluated: 2025-12-29. Review status: criteria provided, single submitter. Criteria: Invitae Variant Classification Sherloc (09022015). Collection method: clinical testing. Allele origin: germline.

PreventionGenetics, part of Exact Sciences
Classification: Likely benign for DYNC1H1-related condition. Last evaluated: 2025-09-17. Review status: criteria provided, single submitter. Criteria: ACMG Guidelines, 2015. Collection method: clinical testing. Allele origin: germline.
Comment: This variant is classified as likely benign based on ACMG/AMP sequence variant interpretation guidelines (Richards et al. 2015 PMID: 25741868, with internal and published modifications).

NM_001376.5(DYNC1H1):c.6267T>A (p.Gly2089=)

Gene: DYNC1H1 (dynein cytoplasmic 1 heavy chain 1; plus strand). Cytogenetic location: 14q32.31.
Variant type: single nucleotide variant.
Coding change: c.6267T>A on transcript NM_001376.5 (MANE Select); coding-DNA position 6267, T replaced by A.
Protein change: p.Gly2089=; no amino-acid change (glycine 2089 retained).
Molecular consequence: synonymous variant.
Genome position (GRCh38, 1-based): chr14:102,010,321, T>A. VCF-style: chr14-102010321-T-A. GRCh37 (hg19) VCF-style: chr14-102476658-T-A.
Identifiers: ClinVar variation 472543 (VCV000472543.11), dbSNP rs374997831, ClinGen allele CA7352590.